The following is an entry in ClinVar:

NM_000702.4(ATP1A2):c.450C>T (p.Ala150=)

Gene: ATP1A2 (ATPase Na+/K+ transporting subunit alpha 2; plus strand). Cytogenetic location: 1q23.2.
Variant type: single nucleotide variant.
Coding change: c.450C>T on transcript NM_000702.4 (MANE Select); coding-DNA position 450, C replaced by T.
Protein change: p.Ala150=; no amino-acid change (alanine 150 retained).
Molecular consequence: synonymous variant.
Genome position (GRCh38, 1-based): chr1:160,124,011, C>T. VCF-style: chr1-160124011-C-T. GRCh37 (hg19) VCF-style: chr1-160093801-C-T.
Identifiers: ClinVar variation 4873905 (VCV004873905.2).

ClinVar aggregate classification (germline): Uncertain significance (1 of 4 stars; one submission).

gnomAD v4.1: 2 of 1,614,180 alleles (0.00012%); highest among the groups gnomAD compares: Non-Finnish European, 0.00017%; no homozygotes.

Submission:

CeGaT Center for Human Genetics Tuebingen
Classification: Uncertain significance. Last evaluated: 2026-05-01. Review status: criteria provided, single submitter. Criteria: CeGaT Center For Human Genetics Tuebingen Variant Classification Criteria Version 2. Collection method: clinical testing. Allele origin: germline. Affected: yes. Observed: 1 variant allele.
Comment: ATP1A2: PM2:Supporting, BP4